The following is an entry in ClinVar:

NM_001005242.3(PKP2):c.1379-2056C>T

Gene: PKP2 (plakophilin 2; minus strand). Cytogenetic location: 12p11.21.
Variant type: single nucleotide variant.
Coding change: c.1379-2056C>T on transcript NM_001005242.3 (MANE Select); 2056 bases into the intron before coding-DNA position 1379, C replaced by T.
Molecular consequence: intron variant. On other transcripts: synonymous variant (1).
Genome position (GRCh38, 1-based): chr12:32,843,261, G>A on the plus strand (C>T on the coding strand, the complement: PKP2 is on the minus strand). VCF-style: chr12-32843261-G-A. GRCh37 (hg19) VCF-style: chr12-32996195-G-A.
Other names: c.1431C>T, p.His477= (NM_004572.4).
Identifiers: ClinVar variation 927408 (VCV000927408.17), dbSNP rs749052785, ClinGen allele CA028272.
Genomic context (GRCh38, chr12:32,843,261, plus strand): 5'-TCGAACTCCTGACCTCGTGATCCGCCCGCCTTGGCCTCCCAAAGTGCTGGGATTACAGGC[G>A]TGAGCCACCGCGCCCGGCCAGCCATTCCTACTTCTTAAATTGACTGTATGGTCTGTACAA-3'

ClinVar aggregate classification (germline): Likely benign. Review status: criteria provided, multiple submitters, no conflicts (2 of 4 stars). 7 submissions from 7 submitters: Likely benign (7). Last evaluated 2026-01-06.

Conditions:
PKP2-related disorder. Also called: PKP2-related condition.
Cardiovascular phenotype. Identifiers: MedGen CN230736.
Arrhythmogenic right ventricular cardiomyopathy (ARVD). Also called: Cardiomyopathy, ARVC; Arrhythmogenic right ventricular dysplasia; Arrhythmogenic cardiomyopathy; Arrhythmogenic Right Ventricular Cardiomyopathy (ARVC). Identifiers: Orphanet 247, MedGen C0349788, MeSH D019571, MONDO:0016587. Disease mechanism: loss of function. Inheritance: Various modes of inheritance.
Arrhythmogenic right ventricular dysplasia 9 (ARVD9). Also called: Arrhythmogenic Right Ventricular Dysplasia/Cardiomyopathy 9; ARRHYTHMOGENIC RIGHT VENTRICULAR DYSPLASIA, FAMILIAL, 9. Identifiers: MedGen C1836906, MONDO:0012180, OMIM 609040.
Cardiomyopathy (CMYO). Also called: Cardiomyopathies. Identifiers: Orphanet 167848, MedGen C0878544, MONDO:0004994, HP:0001638. Inheritance: Various modes of inheritance.

Allele frequency attached by ClinVar (database versions not stated): TOPMed 0.00003; gnomAD exomes 0.00001 and 0.00003; ExAC 0.00002; gnomAD 0.00003.
gnomAD v4.1: 40 of 1,266,038 alleles (0.0032%); highest among the groups gnomAD compares: East Asian, 0.0046%; 1 homozygote.

Submissions (7):

PreventionGenetics, part of Exact Sciences
Classification: Likely benign for PKP2-related condition. Last evaluated: 2026-01-06. Review status: criteria provided, single submitter. Criteria: ACMG Guidelines, 2015. Collection method: clinical testing. Allele origin: germline.
Comment: This variant is classified as likely benign based on ACMG/AMP sequence variant interpretation guidelines (Richards et al. 2015 PMID: 25741868, with internal and published modifications).

Labcorp Genetics (formerly Invitae), Labcorp
Classification: Likely benign for Arrhythmogenic right ventricular dysplasia 9. Last evaluated: 2025-08-05. Review status: criteria provided, single submitter. Criteria: Invitae Variant Classification Sherloc (09022015). Collection method: clinical testing. Allele origin: germline.

All of Us Research Program, National Institutes of Health
Classification: Likely benign for Arrhythmogenic right ventricular cardiomyopathy. Last evaluated: 2024-02-22. Review status: criteria provided, single submitter. Criteria: ACMG Guidelines, 2015. Collection method: clinical testing. Allele origin: germline. Inheritance: Autosomal dominant inheritance. Observed: 6 variant alleles, 6 heterozygotes.
Comment: This study involves interpretation of variants in research participants for the purpose of population health screening. Participant phenotype was not available at the time of variant classification. Additional details can be found in publication PMID: 35346344, PMCID: PMC8962531

Ambry Genetics
Classification: Likely benign for Cardiovascular phenotype. Last evaluated: 2021-08-20. Review status: criteria provided, single submitter. Criteria: Ambry Variant Classification Scheme 2023. Collection method: clinical testing. Allele origin: germline.

CHEO Genetics Diagnostic Laboratory, Children's Hospital of Eastern Ontario
Classification: Likely benign for Cardiomyopathy. Last evaluated: 2021-03-26. Review status: criteria provided, single submitter. Criteria: ACMG Guidelines, 2015. Collection method: clinical testing. Allele origin: germline.

Color Diagnostics, LLC DBA Color Health
Classification: Likely benign for Cardiomyopathy. Last evaluated: 2018-11-16. Review status: criteria provided, single submitter. Criteria: ACMG Guidelines, 2015. Collection method: clinical testing. Allele origin: germline.

Breakthrough Genomics
Classification: Likely benign. Review status: criteria provided, single submitter. Criteria: ACMG Guidelines, 2015. Collection method: not provided. Allele origin: germline. Inheritance: Autosomal dominant inheritance. Affected: yes.